The following is an entry in ClinVar:

NM_015541.3(LRIG1):c.1797A>G (p.Pro599=)

Gene: LRIG1 (leucine rich repeats and immunoglobulin like domains 1; minus strand). Cytogenetic location: 3p14.1.
Variant type: single nucleotide variant.
Coding change: c.1797A>G on transcript NM_015541.3 (MANE Select); coding-DNA position 1797, A replaced by G.
Protein change: p.Pro599=; no amino-acid change (proline 599 retained).
Molecular consequence: synonymous variant.
Genome position (GRCh38, 1-based): chr3:66,384,265, T>C on the plus strand (A>G on the coding strand, the complement: LRIG1 is on the minus strand). VCF-style: chr3-66384265-T-C. GRCh37 (hg19) VCF-style: chr3-66434689-T-C.
Other names: c.1722A>G, p.Pro574= (NM_001377344.1); c.1017A>G, p.Pro339= (NM_001377345.1, NM_001377346.1); c.795A>G, p.Pro265= (NM_001377347.1); c.768A>G, p.Pro256= (NM_001377348.1); c.513A>G, p.Pro171= (NM_001377349.1).
Identifiers: ClinVar variation 3051949 (VCV003051949.16), dbSNP rs138704774, ClinGen allele CA2484600.
Genomic context (GRCh38, chr3:66,384,265, plus strand): 5'-TTCGAGGCGGGCCATGGTGGTGGTCCGGATGGTTATGTCGTGGGGCGTTTTGGTGAATGA[T>C]GGCAACACTGGAAAACATACGTATACAGGGTCGGGTTACGGGACAGCTAGATGCAAAACC-3'
Protein context (NP_056356.2, residues 589-609): HKARLTVNVL[Pro599=]SFTKTPHDIT

ClinVar aggregate classification (germline): Likely benign. Review status: criteria provided, single submitter (1 of 4 stars). 2 submissions from 2 submitters: Likely benign (1). 1 of the submissions does not count toward it. Last evaluated 2024-10-01.

Conditions:
LRIG1-related disorder. Also called: LRIG1-related condition.

Allele frequency attached by ClinVar (database versions not stated): 1000 Genomes Project 0.00020; gnomAD exomes 0.00022; TOPMed 0.00023; 1000 Genomes Project 30x 0.00031; ExAC 0.00035; gnomAD 0.00035; ESP Exome Variant Server 0.00046.
gnomAD v4.1: 380 of 1,610,928 alleles (0.024%); highest among the groups gnomAD compares: Middle Eastern, 0.55%; no homozygotes.

Submissions (2):

CeGaT Center for Human Genetics Tuebingen
Classification: Likely benign. Last evaluated: 2024-10-01. Review status: criteria provided, single submitter. Criteria: CeGaT Center For Human Genetics Tuebingen Variant Classification Criteria Version 2. Collection method: clinical testing. Allele origin: germline. Affected: yes. Observed: 1 variant allele.
Comment: LRIG1: BP4, BP7

PreventionGenetics, part of Exact Sciences
Classification: Likely benign for LRIG1-related condition. Last evaluated: 2019-03-28. Review status: no assertion criteria provided. Collection method: clinical testing. Allele origin: germline. Not counted in ClinVar's aggregate classification.
Comment: This variant is classified as likely benign based on ACMG/AMP sequence variant interpretation guidelines (Richards et al. 2015 PMID: 25741868, with internal and published modifications).